The following is an entry in ClinVar:

ClinVar aggregate classification (germline): Uncertain significance (1 of 4 stars; one submission).

Submission:

Ambry Genetics
Classification: Uncertain significance. Last evaluated: 2023-05-07. Review status: criteria provided, single submitter. Criteria: Ambry Variant Classification Scheme 2023. Collection method: clinical testing. Allele origin: germline.
Comment: The p.E92D variant (also known as c.276G>C), located in coding exon 1 of the TERF2IP gene, results from a G to C substitution at nucleotide position 276. The glutamic acid at codon 92 is replaced by aspartic acid, an amino acid with highly similar properties. This amino acid position is conserved. In addition, this alteration is predicted to be tolerated by in silico analysis. Since supporting evidence is limited at this time, the clinical significance of this alteration remains unclear.

NM_018975.4(TERF2IP):c.276G>C (p.Glu92Asp)

Gene: TERF2IP (TERF2 interacting protein; plus strand). Cytogenetic location: 16q23.1.
Variant type: single nucleotide variant.
Coding change: c.276G>C on transcript NM_018975.4 (MANE Select); coding-DNA position 276, G replaced by C.
Protein change: p.Glu92Asp; replaces glutamic acid 92 with aspartic acid.
Molecular consequence: missense variant. On other transcripts: non-coding transcript variant (1).
Genome position (GRCh38, 1-based): chr16:75,648,158, G>C. VCF-style: chr16-75648158-G-C. GRCh37 (hg19) VCF-style: chr16-75682056-G-C.
Other names: short protein forms E92D.
Identifiers: ClinVar variation 2563466 (VCV002563466.2), dbSNP rs2507073332, ClinGen allele CA396817579.
Genomic context (GRCh38, chr16:75,648,158, plus strand): 5'-CGAGGCCTCGGGTGATTTCATCTCCACGCAGTACATCCTGGACTGCGTGGAGCGCAACGA[G>C]AGGCTGGAGCTGGAGGCCTATCGGCTGGGCCCCGCCTCGGCGGCGGACACCGGCTCGGAA-3'
Protein context (NP_061848.2, residues 82-102): QYILDCVERN[Glu92Asp]RLELEAYRLG